The following is an entry in ClinVar:

ClinVar aggregate classification (germline): Uncertain significance (1 of 4 stars; one submission).

Conditions:
Hereditary cancer-predisposing syndrome. Also called: Neoplastic Syndromes, Hereditary; Tumor predisposition; Hereditary Cancer Syndrome; Hereditary neoplastic syndrome. Identifiers: Orphanet 140162, MedGen C0027672, MeSH D009386, MONDO:0015356.

Submission:

Ambry Genetics
Classification: Uncertain significance for Hereditary cancer-predisposing syndrome. Last evaluated: 2026-02-25. Review status: criteria provided, single submitter. Criteria: Ambry Variant Classification Scheme 2023. Collection method: clinical testing. Allele origin: germline.
Comment: The p.F358S variant (also known as c.1073T>C), located in coding exon 12 of the MUTYH gene, results from a T to C substitution at nucleotide position 1073. The phenylalanine at codon 358 is replaced by serine, an amino acid with highly dissimilar properties. In a massively parallel cell-based functional assay testing 7,8-dihydro-8-oxoguanine:adenine (8OG:A) repair activity, a byproduct of oxidative damage, this variant was reported to be non-functional (Hemker SL et al. Am J Hum Genet. 2025 Sep;112(9):2010-2026). This amino acid position is well conserved in available vertebrate species. In addition, the in silico prediction for this alteration is inconclusive. Based on the available evidence, the clinical significance of this variant remains unclear.

Literature cited by the submitters: PubMed 40738107.

NM_001048174.2(MUTYH):c.989T>C (p.Phe330Ser)

Gene: MUTYH (mutY DNA glycosylase; minus strand). Cytogenetic location: 1p34.1.
Variant type: single nucleotide variant.
Coding change: c.989T>C on transcript NM_001048174.2 (MANE Select); coding-DNA position 989, T replaced by C.
Protein change: p.Phe330Ser; replaces phenylalanine 330 with serine.
Molecular consequence: missense variant. On other transcripts: non-coding transcript variant (7).
Genome position (GRCh38, 1-based): chr1:45,331,774, A>G on the plus strand (T>C on the coding strand, the complement: MUTYH is on the minus strand). VCF-style: chr1-45331774-A-G. GRCh37 (hg19) VCF-style: chr1-45797446-A-G.
Other names: c.1034T>C, p.Phe345Ser (NM_001293190.2); c.1022T>C, p.Phe341Ser (NM_001293191.2, NM_001407069.1, NM_001407077.1); c.713T>C, p.Phe238Ser (NM_001293192.2, NM_001293196.2, NM_001407091.1); c.989T>C, p.Phe330Ser (NM_001293195.2, NM_001407070.1, NM_001407072.1 and 6 more transcripts); c.644T>C, p.Phe215Ser (NM_001350650.2, NM_001350651.2, NM_001407082.1); c.992T>C, p.Phe331Ser (NM_001407071.1, NM_001407078.1, NM_001407086.1 and 1 more transcripts); c.905T>C, p.Phe302Ser (NM_001407075.1); c.950T>C, p.Phe317Ser (NM_001407079.1); and 5 more; short protein forms F238S, F302S, F316S, F337S, F344S, F317S, F331S, F355S.
Identifiers: ClinVar variation 4825335 (VCV004825335.1).